The following is an entry in ClinVar:

ClinVar aggregate classification (germline): Conflicting classifications of pathogenicity. Review status: criteria provided, conflicting classifications (1 of 4 stars). 12 submissions from 12 submitters: Uncertain significance (9); Likely benign (2). 1 of the submissions does not count toward it. Last evaluated 2026-01-04.

Conditions:
Lynch syndrome 5 (LYNCH5). Also called: Hereditary non-polyposis colorectal cancer, type 5; Colorectal cancer, hereditary nonpolyposis, type 5. Identifiers: Orphanet 144, MedGen C1833477, MONDO:0013710, OMIM 614350. Disease mechanism: loss of function.
Endometrial carcinoma. Also called: Endometrial carcinoma, somatic. Identifiers: MedGen C0476089, MONDO:0002447, OMIM 608089, HP:0012114.
Mismatch repair cancer syndrome 3. Identifiers: MedGen C5436807, MONDO:0030841, OMIM 619097.
Hereditary cancer. Identifiers: MedGen C1333600.
Hereditary nonpolyposis colorectal neoplasms. Identifiers: MedGen C0009405, MeSH D003123.
Hereditary cancer-predisposing syndrome. Also called: Hereditary neoplastic syndrome; Hereditary Cancer Syndrome; Neoplastic Syndromes, Hereditary; Tumor predisposition. Identifiers: Orphanet 140162, MedGen C0027672, MeSH D009386, MONDO:0015356.
Lynch syndrome. Identifiers: Orphanet 144, MedGen C4552100, MONDO:0005835. Disease mechanism: loss of function.

Allele frequency attached by ClinVar (database versions not stated): TOPMed below 0.00001; gnomAD 0.00001; gnomAD exomes 0.00001 and 0.00003; ExAC 0.00002.
gnomAD v4.1: 49 of 1,614,076 alleles (0.003%); highest among the groups gnomAD compares: Non-Finnish European, 0.004%; no homozygotes.

Submissions (12):

Labcorp Genetics (formerly Invitae), Labcorp
Classification: Likely benign for Hereditary nonpolyposis colorectal neoplasms. Last evaluated: 2026-01-04. Review status: criteria provided, single submitter. Criteria: Invitae Variant Classification Sherloc (09022015). Collection method: clinical testing. Allele origin: germline.

Color Diagnostics, LLC DBA Color Health
Classification: Uncertain significance for Hereditary cancer-predisposing syndrome. Last evaluated: 2025-07-15. Review status: criteria provided, single submitter. Criteria: ACMG Guidelines, 2015. Collection method: clinical testing. Allele origin: germline.
Comment: This missense variant replaces methionine with valine at codon 703 of the MSH6 protein. Computational prediction is inconclusive regarding the impact of this variant on protein structure and function. To our knowledge, functional studies have not been reported for this variant. This variant has not been reported in individuals affected with MSH6-related disorders in the literature. This variant has been identified in 4/276460 chromosomes in the general population by the Genome Aggregation Database (gnomAD). The available evidence is insufficient to determine the role of this variant in disease conclusively. Therefore, this variant is classified as a Variant of Uncertain Significance.

Ambry Genetics
Classification: Uncertain significance for Hereditary cancer-predisposing syndrome. Last evaluated: 2025-01-25. Review status: criteria provided, single submitter. Criteria: Ambry Variant Classification Scheme 2023. Collection method: clinical testing. Allele origin: germline.
Comment: The p.M703V variant (also known as c.2107A>G), located in coding exon 4 of the MSH6 gene, results from an A to G substitution at nucleotide position 2107. The methionine at codon 703 is replaced by valine, an amino acid with highly similar properties. This amino acid position is not well conserved in available vertebrate species. In addition, the in silico prediction for this alteration is inconclusive. Based on the available evidence, the clinical significance of this variant remains unclear.

Quest Diagnostics Nichols Institute San Juan Capistrano
Classification: Uncertain significance. Last evaluated: 2024-09-16. Review status: criteria provided, single submitter. Criteria: Quest Diagnostics criteria. Collection method: clinical testing. Allele origin: unknown.
Comment: The MSH6 c.2107A>G (p.Met703Val) variant has been reported in the published literature in individuals with breast cancer (PMID: 35449176 (2022), 33471991 (2021), see also LOVD) and Neurofibromatosis type I (NF1) (PMID: 28529006 (2021)). The frequency of this variant in the general population, 0.000023 (3/128564 chromosomes (Genome Aggregation Database)), is uninformative in the assessment of its pathogenicity. Analysis of this variant using bioinformatics tools for the prediction of the effect of amino acid changes on protein structure and function yielded predictions that this variant is benign. Based on the available information, we are unable to determine the clinical significance of this variant.

Mendelics
Classification: Likely benign for Hereditary cancer. Last evaluated: 2024-09-11. Review status: criteria provided, single submitter. Criteria: ACMG Guidelines, 2015. Collection method: clinical testing. Allele origin: unknown.
Comment: This variant is considered likely benign or benign based on one or more of the following: it is predicted to be benign by multiple in silico algorithms, and/or has population frequency not consistent with disease, and/or has normal protein function, and/or has lack of segregation with disease, and/or has been detected in co-occurrence with known pathogenic variant, and/or has lack of disease association in case-control studies, and/or is located in a region inconsistent with a known cause of pathogenicity.

Baylor Genetics
Classification: Uncertain significance for Endometrial carcinoma. Last evaluated: 2024-03-13. Review status: criteria provided, single submitter. Criteria: ACMG Guidelines, 2015. Collection method: clinical testing. Allele origin: unknown.

All of Us Research Program, National Institutes of Health
Classification: Uncertain significance for Lynch syndrome. Last evaluated: 2023-12-07. Review status: criteria provided, single submitter. Criteria: ACMG Guidelines, 2015. Collection method: clinical testing. Allele origin: germline. Inheritance: Autosomal dominant inheritance. Observed: 2 variant alleles, 2 heterozygotes.
Comment: This missense variant replaces methionine with valine at codon 703 of the MSH6 protein. Computational prediction tool is inconclusive regarding the impact of this variant on protein structure and function (internally defined REVEL score threshold 0.5 < inconclusive < 0.7, PMID: 27666373). To our knowledge, functional studies have not been performed for this variant. This variant has not been reported in individuals affected with hereditary cancer in the literature. This variant has been identified in 4/276460 chromosomes in the general population by the Genome Aggregation Database (gnomAD). The available evidence is insufficient to determine the role of this variant in disease conclusively. Therefore, this variant is classified as a Variant of Uncertain Significance.

This study involves interpretation of variants in research participants for the purpose of population health screening. Participant phenotype was not available at the time of variant classification. Additional details can be found in publication PMID: 35346344, PMCID: PMC8962531

GeneDx
Classification: Uncertain significance. Last evaluated: 2023-05-09. Review status: criteria provided, single submitter. Criteria: GeneDx Variant Classification Process June 2021. Collection method: clinical testing. Allele origin: germline. Affected: yes.
Comment: Not observed at significant frequency in large population cohorts (gnomAD); In silico analysis supports that this missense variant has a deleterious effect on protein structure/function; Observed in at least one individual referred for hereditary cancer testing (Paulo et al., 2017); This variant is associated with the following publications: (PMID: 17531815, 21120944, 28529006)

Myriad Genetics, Inc.
Classification: Uncertain significance for Lynch syndrome 5. Last evaluated: 2023-03-27. Review status: criteria provided, single submitter. Criteria: Myriad Autosomal Dominant, Autosomal Recessive and X-Linked Classification Criteria (2023). Collection method: clinical testing. Allele origin: unknown.
Comment: This variant is classified as a variant of uncertain significance as there is insufficient evidence to determine its impact on protein function and/or cancer risk.

Institute for Clinical Genetics, University Hospital TU Dresden, University Hospital TU Dresden
Classification: Uncertain significance. Last evaluated: 2021-11-03. Review status: criteria provided, single submitter. Criteria: ACMG Guidelines, 2015. Collection method: clinical testing. Allele origin: germline.

Department of Pathology and Laboratory Medicine, Sinai Health System
Classification: Uncertain significance for Endometrial carcinoma; Lynch syndrome 5; Mismatch repair cancer syndrome 3. Last evaluated: 2021-07-26. Review status: criteria provided, single submitter. Criteria: ACMG Guidelines, 2015. Collection method: clinical testing. Allele origin: germline. Affected: yes.

Counsyl
Classification: Uncertain significance for Lynch syndrome 5. Last evaluated: 2017-01-11. Review status: no assertion criteria provided. Collection method: clinical testing. Allele origin: unknown. Not counted in ClinVar's aggregate classification.

Literature cited by the submitters: PubMed 35449176 (cited by Quest Diagnostics Nichols Institute San Juan Capistrano); PubMed 33471991 (cited by Quest Diagnostics Nichols Institute San Juan Capistrano); PubMed 28529006 (cited by Quest Diagnostics Nichols Institute San Juan Capistrano).

NM_000179.3(MSH6):c.2107A>G (p.Met703Val)

Gene: MSH6 (mutS homolog 6; plus strand). Cytogenetic location: 2p16.3.
Variant type: single nucleotide variant.
Coding change: c.2107A>G on transcript NM_000179.3 (MANE Select); coding-DNA position 2107, A replaced by G.
Protein change: p.Met703Val; replaces methionine 703 with valine.
Molecular consequence: missense variant.
Genome position (GRCh38, 1-based): chr2:47,800,090, A>G. VCF-style: chr2-47800090-A-G. GRCh37 (hg19) VCF-style: chr2-48027229-A-G.
Other names: c.1717A>G, p.Met573Val (NM_001281492.2); c.1201A>G, p.Met401Val (NM_001281493.2, NM_001281494.2); short protein forms M703V, M401V, M573V.
Identifiers: ClinVar variation 237151 (VCV000237151.35), dbSNP rs751867550, ClinGen allele CA068470.